The following is an entry in ClinVar:

NM_138694.4(PKHD1):c.2035G>A (p.Ala679Thr)

Gene: PKHD1 (PKHD1 ciliary IPT domain containing fibrocystin/polyductin; minus strand). Cytogenetic location: 6p12.2.
Variant type: single nucleotide variant.
Coding change: c.2035G>A on transcript NM_138694.4 (MANE Select); coding-DNA position 2035, G replaced by A.
Protein change: p.Ala679Thr; replaces alanine 679 with threonine.
Molecular consequence: missense variant.
Genome position (GRCh38, 1-based): chr6:52,053,181, C>T on the plus strand (G>A on the coding strand, the complement: PKHD1 is on the minus strand). VCF-style: chr6-52053181-C-T. GRCh37 (hg19) VCF-style: chr6-51917979-C-T.
Other names: c.2035G>A, p.Ala679Thr (NM_170724.3); short protein forms A679T.
Identifiers: ClinVar variation 2631210 (VCV002631210.2), dbSNP rs747662985, ClinGen allele CA3853352.
Genomic context (GRCh38, chr6:52,053,181, plus strand): 5'-GGCCCGTCTCCTGGGCCAGAGGGAGAAGGTTGATCTGATGAACCAGCACTGGGGAGTTTG[C>T]CGGAGGGGGCTGGAGATCCCCGAAGCAACGCACACAAGTCTCCCAGAGGTCAGTGCAATC-3'
Protein context (NP_619639.3, residues 669-689): RCFGDLQPPP[Ala679Thr]NSPVLVHQIN

ClinVar aggregate classification (germline): Uncertain significance. Review status: criteria provided, multiple submitters, no conflicts (2 of 4 stars). 2 submissions from 2 submitters: Uncertain significance (2). Last evaluated 2024-02-29.

Conditions:
Polycystic kidney disease 4 (PKD4). Also called: POLYCYSTIC KIDNEY AND HEPATIC DISEASE 1; POLYCYSTIC KIDNEY DISEASE, INFANTILE, TYPE I; PKD3; Autosomal Recessive Polycystic Kidney Disease – PKHD1; POLYCYSTIC KIDNEY DISEASE 4 WITH OR WITHOUT POLYCYSTIC LIVER DISEASE. Identifiers: MedGen C4540575, MONDO:0033004, OMIM 263200.
PKHD1-related disorder. Also called: PKHD1-related condition.

Allele frequency attached by ClinVar (database versions not stated): gnomAD exomes below 0.00001; ExAC 0.00001; gnomAD 0.00001; TOPMed 0.00001.
gnomAD v4.1: 6 of 1,614,042 alleles (0.00037%); highest among the groups gnomAD compares: South Asian, 0.0044%; no homozygotes.

Submissions (2):

Fulgent Genetics
Classification: Uncertain significance for Polycystic kidney disease 4. Last evaluated: 2024-02-29. Review status: criteria provided, single submitter. Criteria: ACMG Guidelines, 2015. Collection method: clinical testing. Allele origin: germline.

PreventionGenetics, part of Exact Sciences
Classification: Uncertain significance for PKHD1-related condition. Last evaluated: 2023-07-14. Review status: criteria provided, single submitter. Criteria: ACMG Guidelines, 2015. Collection method: clinical testing. Allele origin: germline.
Comment: The PKHD1 c.2035G>A variant is predicted to result in the amino acid substitution p.Ala679Thr. To our knowledge, this variant has not been reported in the literature. This variant is reported in 0.0033% of alleles in individuals of South Asian descent in gnomAD. At this time, the clinical significance of this variant is uncertain due to the absence of conclusive functional and genetic evidence.